The following is an entry in ClinVar:

ClinVar aggregate classification (germline): Pathogenic. Review status: criteria provided, single submitter (1 of 4 stars). 2 submissions from 2 submitters: Pathogenic (1). 1 of the submissions does not count toward it. Last evaluated 2022-09-03.

Conditions:
Developmental and epileptic encephalopathy, 11 (DEE11). Also called: Early infantile epileptic encephalopathy 11. Identifiers: Orphanet 1934, MedGen C3150987, MONDO:0013388, OMIM 613721.
Seizures, benign familial infantile, 3 (BFIS3). Also called: CONVULSIONS, BENIGN FAMILIAL INFANTILE, 3; Familial neonatal seizures. Identifiers: Orphanet 140927, Orphanet 306, MedGen C1843140, MONDO:0011904, OMIM 607745.

Submissions (2):

Labcorp Genetics (formerly Invitae), Labcorp
Classification: Pathogenic for Seizures, benign familial infantile, 3; Developmental and epileptic encephalopathy, 11. Last evaluated: 2022-09-03. Review status: criteria provided, single submitter. Criteria: Invitae Variant Classification Sherloc (09022015). Collection method: clinical testing. Allele origin: germline.
Comment: For these reasons, this variant has been classified as Pathogenic. ClinVar contains an entry for this variant (Variation ID: 1180439). This variant has not been reported in the literature in individuals affected with SCN2A-related conditions. This variant is not present in population databases (gnomAD no frequency). This sequence change creates a premature translational stop signal (p.Leu329Phefs*6) in the SCN2A gene. It is expected to result in an absent or disrupted protein product. Loss-of-function variants in SCN2A are known to be pathogenic (PMID: 28379373).

DECIPHER, Wellcome Sanger Institute
No classification provided. Review status: no classification provided. Collection method: research. Allele origin: de novo. Affected: yes. Observed: 1 heterozygote. Not counted in ClinVar's aggregate classification.

Literature cited by the submitters: PubMed 28379373 (cited by Labcorp Genetics (formerly Invitae), Labcorp).

NM_001040142.2(SCN2A):c.986dup (p.Leu329fs)

Gene: SCN2A (sodium voltage-gated channel alpha subunit 2; plus strand). Cytogenetic location: 2q24.3.
Variant type: Duplication.
Coding change: c.986dup on transcript NM_001040142.2 (MANE Select); coding-DNA position 986, one base duplicated (T; older notation c.986dupT).
Protein change: p.Leu329fs; shifts the reading frame from leucine 329.
Molecular consequence: frameshift variant.
Genome position (GRCh38, 1-based): chr2:165,312,040, T duplicated; the last of 6 consecutive T bases (chr2:165,312,035-165,312,040); duplicating any one gives the same sequence. VCF-style (leftmost placement, unchanged base first): chr2-165312034-A-AT. GRCh37 (hg19) VCF-style: chr2-166168544-A-AT.
Other names: c.986dup, p.Leu329fs (NM_001040143.2, NM_001371246.1, NM_001371247.1 and 1 more transcripts); short protein forms L329fs.
Identifiers: ClinVar variation 1180439 (VCV001180439.6), dbSNP rs2105251438, ClinGen allele CA2499215154.
Genomic context (GRCh38, chr2:165,312,034, plus strand): 5'-AGTGTTTTACAGGATTTTAATGATTCTTTCTATTCCTTTCTCTTTAAATAGGTCACTTTT[A>AT]TTTTTTAGAGGGGCAAAATGATGCTCTGCTTTGTGGCAACAGCTCAGATGCAGGGTAAGT-3'